The following is an entry in ClinVar:

NM_018249.6(CDK5RAP2):c.2571A>G (p.Leu857=)

Gene: CDK5RAP2 (CDK5 regulatory subunit associated protein 2; minus strand). Cytogenetic location: 9q33.2.
Variant type: single nucleotide variant.
Coding change: c.2571A>G on transcript NM_018249.6 (MANE Select); coding-DNA position 2571, A replaced by G.
Protein change: p.Leu857=; no amino-acid change (leucine 857 retained).
Molecular consequence: synonymous variant. On other transcripts: non-coding transcript variant (5), intron variant (1).
Genome position (GRCh38, 1-based): chr9:120,453,678, T>C on the plus strand (A>G on the coding strand, the complement: CDK5RAP2 is on the minus strand). VCF-style: chr9-120453678-T-C. GRCh37 (hg19) VCF-style: chr9-123215956-T-C.
Other names: c.2571A>G, p.Leu857= (NM_001011649.3); c.2104-5552A>G (NM_001272039.2).
Identifiers: ClinVar variation 374629 (VCV000374629.51), dbSNP rs562717417, ClinGen allele CA5214040.

ClinVar aggregate classification (germline): Conflicting classifications of pathogenicity. Review status: criteria provided, conflicting classifications (1 of 4 stars). 3 submissions from 3 submitters: Uncertain significance (1); Benign (1); Likely benign (1). Last evaluated 2025-11-04.

Conditions:
Microcephaly 3, primary, autosomal recessive. Identifiers: Orphanet 2512, MedGen C1858108, MONDO:0011488, OMIM 604804.

Allele frequency attached by ClinVar (database versions not stated): gnomAD exomes 0.00013 and 0.00028; 1000 Genomes Project 30x 0.00016; 1000 Genomes Project 0.00020; ExAC 0.00027; gnomAD 0.00001 and 0.00005; TOPMed 0.00001.
gnomAD v4.1: 202 of 1,614,238 alleles (0.013%); highest among the groups gnomAD compares: South Asian, 0.21%; no homozygotes.

Submissions (3):

Labcorp Genetics (formerly Invitae), Labcorp
Classification: Benign. Last evaluated: 2025-11-04. Review status: criteria provided, single submitter. Criteria: Invitae Variant Classification Sherloc (09022015). Collection method: clinical testing. Allele origin: germline.

CeGaT Center for Human Genetics Tuebingen
Classification: Likely benign. Last evaluated: 2023-05-01. Review status: criteria provided, single submitter. Criteria: CeGaT Center For Human Genetics Tuebingen Variant Classification Criteria Version 2. Collection method: clinical testing. Allele origin: germline. Affected: yes. Observed: 2 variant alleles.
Comment: CDK5RAP2: BP4, BP7

Illumina Laboratory Services, Illumina
Classification: Uncertain significance for Microcephaly 3, primary, autosomal recessive. Last evaluated: 2018-01-13. Review status: criteria provided, single submitter. Criteria: ICSL Variant Classification Criteria 13 December 2019. Collection method: clinical testing. Allele origin: germline.